The following is an entry in ClinVar:

NM_004304.5(ALK):c.1546+6A>G

Gene: ALK (ALK receptor tyrosine kinase; minus strand). Cytogenetic location: 2p23.2.
Variant type: single nucleotide variant.
Coding change: c.1546+6A>G on transcript NM_004304.5 (MANE Select); 6 bases into the intron after coding-DNA position 1546, A replaced by G.
Molecular consequence: intron variant.
Genome position (GRCh38, 1-based): chr2:29,320,745, T>C on the plus strand (A>G on the coding strand, the complement: ALK is on the minus strand). VCF-style: chr2-29320745-T-C. GRCh37 (hg19) VCF-style: chr2-29543611-T-C.
Identifiers: ClinVar variation 2801368 (VCV002801368.3), dbSNP rs2465435074, ClinGen allele CA425435565.
Genomic context (GRCh38, chr2:29,320,745, plus strand): 5'-AGTCTCCCATCTGTCTATGTGGGCATGAAGATGGGCACCAGAGAGAAGGCAGGAGAGCAG[T>C]AGTACCTTGGTGGTCCTGGAACCGGGCATCCTTTAGGGTCCTGACCTGCCATTGAGGAGT-3'

ClinVar aggregate classification (germline): Uncertain significance (1 of 4 stars; one submission).

Conditions:
Neuroblastoma, susceptibility to, 3. Also called: ALK-Related Neuroblastic Tumor Susceptibility. Identifiers: Orphanet 635, MedGen C2751681, MONDO:0013083, OMIM 613014.

Submission:

Labcorp Genetics (formerly Invitae), Labcorp
Classification: Uncertain significance for Neuroblastoma, susceptibility to, 3. Last evaluated: 2023-06-04. Review status: criteria provided, single submitter. Criteria: Invitae Variant Classification Sherloc (09022015). Collection method: clinical testing. Allele origin: germline.
Comment: This variant has not been reported in the literature in individuals affected with ALK-related conditions. In summary, the available evidence is currently insufficient to determine the role of this variant in disease. Therefore, it has been classified as a Variant of Uncertain Significance. Variants that disrupt the consensus splice site are a relatively common cause of aberrant splicing (PMID: 17576681, 9536098). Algorithms developed to predict the effect of sequence changes on RNA splicing suggest that this variant is not likely to affect RNA splicing. This variant is not present in population databases (gnomAD no frequency). This sequence change falls in intron 7 of the ALK gene. It does not directly change the encoded amino acid sequence of the ALK protein. It affects a nucleotide within the consensus splice site.

Literature cited by the submitters: PubMed 17576681; PubMed 9536098.